The following is an entry in ClinVar:

NM_001378778.1(MPDZ):c.5170C>T (p.Leu1724Phe)

Gene: MPDZ (multiple PDZ domain crumbs cell polarity complex component; minus strand). Cytogenetic location: 9p23.
Variant type: single nucleotide variant.
Coding change: c.5170C>T on transcript NM_001378778.1 (MANE Select); coding-DNA position 5170, C replaced by T.
Protein change: p.Leu1724Phe; replaces leucine 1724 with phenylalanine.
Molecular consequence: missense variant.
Genome position (GRCh38, 1-based): chr9:13,121,800, G>A on the plus strand (C>T on the coding strand, the complement: MPDZ is on the minus strand). VCF-style: chr9-13121800-G-A. GRCh37 (hg19) VCF-style: chr9-13121799-G-A.
Other names: c.5071C>T, p.Leu1691Phe (NM_001261406.2, NM_001261407.2, NM_001375416.1 and 3 more transcripts); c.5170C>T, p.Leu1724Phe (NM_001330637.2, NM_003829.5); c.5269C>T, p.Leu1757Phe (NM_001375413.1); c.4960C>T, p.Leu1654Phe (NM_001375420.1, NM_001375421.1, NM_001375422.1 and 4 more transcripts); c.4762C>T, p.Leu1588Phe (NM_001375427.1); short protein forms L1654F, L1757F, L1588F, L1724F, L1691F.
Identifiers: ClinVar variation 1351151 (VCV001351151.6), dbSNP rs2131608583, ClinGen allele CA372944222.

ClinVar aggregate classification (germline): Uncertain significance (1 of 4 stars; one submission).

gnomAD v4.1: 2 of 1,613,910 alleles (0.00012%); highest among the groups gnomAD compares: East Asian, 0.0022%; no homozygotes.

Submission:

Labcorp Genetics (formerly Invitae), Labcorp
Classification: Uncertain significance. Last evaluated: 2022-08-31. Review status: criteria provided, single submitter. Criteria: Invitae Variant Classification Sherloc (09022015). Collection method: clinical testing. Allele origin: germline.
Comment: This variant has not been reported in the literature in individuals affected with MPDZ-related conditions. This variant is not present in population databases (gnomAD no frequency). This sequence change replaces leucine, which is neutral and non-polar, with phenylalanine, which is neutral and non-polar, at codon 1724 of the MPDZ protein (p.Leu1724Phe). In summary, the available evidence is currently insufficient to determine the role of this variant in disease. Therefore, it has been classified as a Variant of Uncertain Significance. Algorithms developed to predict the effect of missense changes on protein structure and function output the following: SIFT: "Tolerated"; PolyPhen-2: "Benign"; Align-GVGD: "Class C0". The phenylalanine amino acid residue is found in multiple mammalian species, which suggests that this missense change does not adversely affect protein function. ClinVar contains an entry for this variant (Variation ID: 1351151).